The following is an entry in ClinVar:

ClinVar aggregate classification (germline): Likely pathogenic. Review status: criteria provided, multiple submitters, no conflicts (2 of 4 stars). 3 submissions from 3 submitters: Likely pathogenic (2). 1 of the submissions does not count toward it. Last evaluated 2024-08-07.

Conditions:
Early-infantile DEE. Also called: Early infantile epileptic encephalopathy; Early infantile epileptic encephalopathy with suppression bursts; Ohtahara syndrome. Identifiers: Orphanet 1934, MedGen C0393706, MONDO:0800491.
Severe myoclonic epilepsy in infancy (DRVT). Also called: SEVERE MYOCLONIC EPILEPSY OF INFANCY; DEVELOPMENTAL AND EPILEPTIC ENCEPHALOPATHY 6A; Severe Myoclonic Epilepsy in Infancy (SMEI); Dravet syndrome; Epileptic encephalopathy, early infantile, 6 (Dravet syndrome). Identifiers: Orphanet 33069, MedGen C0751122, MONDO:0100135, OMIM 607208.

Submissions (3):

Labcorp Genetics (formerly Invitae), Labcorp
Classification: Likely pathogenic for Early-infantile DEE. Last evaluated: 2024-08-07. Review status: criteria provided, single submitter. Criteria: Invitae Variant Classification Sherloc (09022015). Collection method: clinical testing. Allele origin: germline.
Comment: This sequence change replaces phenylalanine, which is neutral and non-polar, with serine, which is neutral and polar, at codon 1692 of the SCN1A protein (p.Phe1692Ser). This variant is not present in population databases (gnomAD no frequency). This missense change has been observed in individual(s) with clinical features of SCN1A-related conditions (PMID: 14738421). This variant is also known as F1682S. ClinVar contains an entry for this variant (Variation ID: 68649). Advanced modeling of protein sequence and biophysical properties (such as structural, functional, and spatial information, amino acid conservation, physicochemical variation, residue mobility, and thermodynamic stability) performed at Invitae indicates that this missense variant is expected to disrupt SCN1A protein function with a positive predictive value of 95%. In summary, the currently available evidence indicates that the variant is pathogenic, but additional data are needed to prove that conclusively. Therefore, this variant has been classified as Likely Pathogenic.

Mendelics
Classification: Likely pathogenic for Severe myoclonic epilepsy in infancy. Last evaluated: 2019-05-28. Review status: criteria provided, single submitter. Criteria: Mendelics Assertion Criteria 2017. Collection method: clinical testing. Allele origin: unknown.

UniProtKB/Swiss-Prot
No classification provided. Condition: Severe myoclonic epilepsy in infancy. Review status: no classification provided. Collection method: not provided. Allele origin: not provided. Not counted in ClinVar's aggregate classification.
Comment: Variants reported as p.Phe1682Ser in PubMed 14738421

Literature cited by the submitters: PubMed 14738421 (cited by Labcorp Genetics (formerly Invitae), Labcorp).

NM_001165963.4(SCN1A):c.5075T>C (p.Phe1692Ser)

Genes: SCN1A (sodium voltage-gated channel alpha subunit 1; minus strand), LOC102724058 (uncharacterized LOC102724058; plus strand). Cytogenetic location: 2q24.3.
Variant type: single nucleotide variant.
Coding change: c.5075T>C on transcript NM_001165963.4 (MANE Select); coding-DNA position 5075, T replaced by C.
Protein change: p.Phe1692Ser; replaces phenylalanine 1692 with serine.
Molecular consequence: missense variant. On other transcripts: non-coding transcript variant (1).
Genome position (GRCh38, 1-based): chr2:165,992,200, A>G on the plus strand (T>C on the coding strand, the complement: SCN1A is on the minus strand). VCF-style: chr2-165992200-A-G. GRCh37 (hg19) VCF-style: chr2-166848710-A-G.
Other names: c.4991T>C, p.Phe1664Ser (NM_001165964.3, NM_001353957.2, NM_001353958.2); c.5075T>C, p.Phe1692Ser (NM_001202435.3, NM_001353948.2); c.5042T>C, p.Phe1681Ser (NM_001353949.2, NM_001353950.2, NM_001353951.2 and 2 more transcripts); c.5039T>C, p.Phe1680Ser (NM_001353954.2, NM_001353955.2); c.4988T>C, p.Phe1663Ser (NM_001353960.2); c.2633T>C, p.Phe878Ser (NM_001353961.2); short protein forms F1681S, F1692S, F1663S, F1664S, F878S, F1680S.
Identifiers: ClinVar variation 68649 (VCV000068649.7), dbSNP rs121918778, ClinGen allele CA285207.